The following is an entry in ClinVar:

NM_001042492.3(NF1):c.2146del (p.Glu716fs)

Gene: NF1 (neurofibromin 1; plus strand). Cytogenetic location: 17q11.2.
Variant type: Deletion.
Coding change: c.2146del on transcript NM_001042492.3 (MANE Select); coding-DNA position 2146, one base deleted (G; older notation c.2146delG).
Protein change: p.Glu716fs; shifts the reading frame from glutamic acid 716.
Molecular consequence: frameshift variant.
Genome position (GRCh38, 1-based): chr17:31,226,579, G deleted; the last of 2 consecutive G bases (chr17:31,226,578-31,226,579); deleting either gives the same sequence. VCF-style (leftmost placement, unchanged base first): chr17-31226577-AG-A. GRCh37 (hg19) VCF-style: chr17-29553595-AG-A.
Other names: c.2146del, p.Glu716fs (NM_000267.4); short protein forms E716fs.
Identifiers: ClinVar variation 4728086 (VCV004728086.1).

ClinVar aggregate classification (germline): Pathogenic (1 of 4 stars; one submission).

Conditions:
Neurofibromatosis, type 1 (NF1). Also called: NEUROFIBROMATOSIS, TYPE I, SOMATIC; VON RECKLINGHAUSEN DISEASE; Peripheral type neurofibromatosis; Neurofibromatosis, type I. Identifiers: Orphanet 636, MedGen C0027831, MONDO:0018975, OMIM 162200. Disease mechanism: loss of function.

Submission:

Labcorp Genetics (formerly Invitae), Labcorp
Classification: Pathogenic for Neurofibromatosis, type 1. Last evaluated: 2025-09-29. Review status: criteria provided, single submitter. Criteria: Invitae Variant Classification Sherloc (09022015). Collection method: clinical testing. Allele origin: germline.
Comment: This sequence change creates a premature translational stop signal (p.Glu716Lysfs*32) in the NF1 gene. It is expected to result in an absent or disrupted protein product. Loss-of-function variants in NF1 are known to be pathogenic (PMID: 10712197, 23913538). This variant is not present in population databases (gnomAD no frequency). This variant has not been reported in the literature in individuals affected with NF1-related conditions. For these reasons, this variant has been classified as Pathogenic.

Literature cited by the submitters: PubMed 10712197; PubMed 23913538.